The following is an entry in ClinVar:

NM_147127.5(EVC2):c.3413C>T (p.Thr1138Met)

Gene: EVC2 (EvC ciliary complex subunit 2; minus strand). Cytogenetic location: 4p16.2.
Variant type: single nucleotide variant.
Coding change: c.3413C>T on transcript NM_147127.5 (MANE Select); coding-DNA position 3413, C replaced by T.
Protein change: p.Thr1138Met; replaces threonine 1138 with methionine.
Molecular consequence: missense variant.
Genome position (GRCh38, 1-based): chr4:5,568,588, G>A on the plus strand (C>T on the coding strand, the complement: EVC2 is on the minus strand). VCF-style: chr4-5568588-G-A. GRCh37 (hg19) VCF-style: chr4-5570315-G-A.
Other names: c.3173C>T, p.Thr1058Met (NM_001166136.2); short protein forms T1138M, T1058M.
Identifiers: ClinVar variation 348983 (VCV000348983.19), dbSNP rs182298453, ClinGen allele CA2834321.
Genomic context (GRCh38, chr4:5,568,588, plus strand): 5'-AGGGCCAGCAGCTGAGGCTGTGAGGCTGTGGGCAGTACCACACTCAGGAGCCGGCGAAGC[G>A]TGGCCCCGGGCACCATGGCCATCCTCGCCAGGTACGATGCCAGTCTCAGCTCCTACAGGA-3'
Protein context (NP_667338.3, residues 1128-1148): LARMAMVPGA[Thr1138Met]LRRLLSVVLP

ClinVar aggregate classification (germline): Benign/Likely benign. Review status: criteria provided, multiple submitters, no conflicts (2 of 4 stars). 4 submissions from 4 submitters: Benign (1); Likely benign (2). 1 of the submissions does not count toward it. Last evaluated 2026-01-31.

Conditions:
EVC2-related disorder. Also called: EVC2-related condition.
Ellis-van Creveld syndrome (EVC). Also called: MESOECTODERMAL DYSPLASIA; Chondroectodermal dysplasia. Identifiers: Orphanet 289, MedGen C0013903, MONDO:0009162, OMIM 225500.
Curry-Hall syndrome (WAD). Also called: WEYERS ACRODENTAL DYSOSTOSIS. Identifiers: Orphanet 952, MedGen C0457013, MONDO:0008673, OMIM 193530.

Allele frequency attached by ClinVar (database versions not stated): gnomAD 0.00019 and 0.00032; gnomAD exomes 0.00019 and 0.00060; TOPMed 0.00043; ExAC 0.00061; 1000 Genomes Project 30x 0.00141; 1000 Genomes Project 0.00160.
gnomAD v4.1: 328 of 1,608,496 alleles (0.02%); highest among the groups gnomAD compares: East Asian, 0.54%; no homozygotes.

Submissions (4):

Labcorp Genetics (formerly Invitae), Labcorp
Classification: Benign for Curry-Hall syndrome; Ellis-van Creveld syndrome. Last evaluated: 2026-01-31. Review status: criteria provided, single submitter. Criteria: Invitae Variant Classification Sherloc (09022015). Collection method: clinical testing. Allele origin: germline.

Blueprint Genetics
Classification: Likely benign. Last evaluated: 2024-06-06. Review status: criteria provided, single submitter. Criteria: ACMG Guidelines, 2015. Collection method: clinical testing. Allele origin: germline.

Illumina Laboratory Services, Illumina
Classification: Likely benign for Ellis-van Creveld syndrome. Last evaluated: 2018-01-13. Review status: criteria provided, single submitter. Criteria: ICSL Variant Classification Criteria 13 December 2019. Collection method: clinical testing. Allele origin: germline.
Comment: This variant was observed in the ICSL laboratory as part of a predisposition screen in an ostensibly healthy population. It had not been previously curated by ICSL or reported in the Human Gene Mutation Database (HGMD: prior to June 1st, 2018), and was therefore a candidate for classification through an automated scoring system. Utilizing variant allele frequency, disease prevalence and penetrance estimates, and inheritance mode, an automated score was calculated to assess if this variant is too frequent to cause the disease. Based on the score and internal cut-off values, a variant classified as likely benign is not then subjected to further curation. The score for this variant resulted in a classification of likely benign for this disease.

PreventionGenetics, part of Exact Sciences
Classification: Benign for EVC2-related condition. Last evaluated: 2019-07-30. Review status: no assertion criteria provided. Collection method: clinical testing. Allele origin: germline. Not counted in ClinVar's aggregate classification.
Comment: This variant is classified as benign based on ACMG/AMP sequence variant interpretation guidelines (Richards et al. 2015 PMID: 25741868, with internal and published modifications).